The following is an entry in ClinVar:

ClinVar aggregate classification (germline): Conflicting classifications of pathogenicity. Review status: criteria provided, conflicting classifications (1 of 4 stars). 4 submissions from 4 submitters: Uncertain significance (3); Likely benign (1). Last evaluated 2025-10-18.

Conditions:
Inborn genetic diseases. Identifiers: MedGen C0950123, MeSH D030342.
Macrocephaly, dysmorphic facies, and psychomotor retardation (MDFPMR). Identifiers: Orphanet 457359, MedGen C4310766, MONDO:0014863, OMIM 617011.

Allele frequency attached by ClinVar (database versions not stated): ExAC 0.00014; 1000 Genomes Project 30x 0.00031; gnomAD 0.00005; gnomAD exomes 0.00005; 1000 Genomes Project 0.00020.
gnomAD v4.1: 86 of 1,610,888 alleles (0.0053%); highest among the groups gnomAD compares: South Asian, 0.091%; no homozygotes.

Submissions (4):

Ambry Genetics
Classification: Uncertain significance for Inborn genetic diseases. Last evaluated: 2025-10-18. Review status: criteria provided, single submitter. Criteria: Ambry Variant Classification Scheme 2023. Collection method: clinical testing. Allele origin: germline.

3billion
Classification: Likely benign for Macrocephaly, dysmorphic facies, and psychomotor retardation. Last evaluated: 2024-09-20. Review status: criteria provided, single submitter. Criteria: ACMG Guidelines, 2015. Collection method: clinical testing. Allele origin: germline. Affected: no.
Comment: The homozygous variant was found in patients diagnosed with another variant in a different gene, with no symptoms related to the gene containing the homozygous variant.

GeneDx
Classification: Uncertain significance. Last evaluated: 2022-04-08. Review status: criteria provided, single submitter. Criteria: GeneDx Variant Classification Process June 2021. Collection method: clinical testing. Allele origin: germline. Affected: yes.
Comment: In silico analysis supports that this missense variant does not alter protein structure/function; Has not been previously published as pathogenic or benign to our knowledge

Department of Pathology and Laboratory Medicine, Sinai Health System
Classification: Uncertain significance for Macrocephaly, dysmorphic facies, and psychomotor retardation. Last evaluated: 2020-07-21. Review status: criteria provided, single submitter. Criteria: ACMG Guidelines, 2015. Collection method: research. Allele origin: germline.

NM_003922.4(HERC1):c.10925T>C (p.Met3642Thr)

Gene: HERC1 (HECT and RLD domain containing E3 ubiquitin protein ligase family member 1; minus strand). Cytogenetic location: 15q22.31.
Variant type: single nucleotide variant.
Coding change: c.10925T>C on transcript NM_003922.4 (MANE Select); coding-DNA position 10925, T replaced by C.
Protein change: p.Met3642Thr; replaces methionine 3642 with threonine.
Molecular consequence: missense variant.
Genome position (GRCh38, 1-based): chr15:63,645,636, A>G on the plus strand (T>C on the coding strand, the complement: HERC1 is on the minus strand). VCF-style: chr15-63645636-A-G. GRCh37 (hg19) VCF-style: chr15-63937835-A-G.
Other names: short protein forms M3642T.
Identifiers: ClinVar variation 1708795 (VCV001708795.5), dbSNP rs568826186, ClinGen allele CA7604354.